The following is an entry in ClinVar:

NM_004415.4(DSP):c.363C>T (p.Leu121=)

Gene: DSP (desmoplakin; plus strand). Cytogenetic location: 6p24.3.
Variant type: single nucleotide variant.
Coding change: c.363C>T on transcript NM_004415.4 (MANE Select); coding-DNA position 363, C replaced by T.
Protein change: p.Leu121=; no amino-acid change (leucine 121 retained).
Molecular consequence: synonymous variant.
Genome position (GRCh38, 1-based): chr6:7,558,205, C>T. VCF-style: chr6-7558205-C-T. GRCh37 (hg19) VCF-style: chr6-7558438-C-T.
Other names: c.363C>T (LRG_423t1, NM_004415.3); c.363C>T, p.Leu121= (NM_001008844.3, NM_001319034.2).
Identifiers: ClinVar variation 413269 (VCV000413269.23), dbSNP rs748204541, ClinGen allele CA038557.

ClinVar aggregate classification (germline): Benign/Likely benign. Review status: criteria provided, multiple submitters, no conflicts (2 of 4 stars). 8 submissions from 8 submitters: Benign (1); Likely benign (7). Last evaluated 2026-01-14.

Conditions:
DSP-related disorder. Also called: DSP-related disorders; DSP-related condition.
Cardiovascular phenotype. Identifiers: MedGen CN230736.
Cardiomyopathy (CMYO). Also called: Cardiomyopathies. Identifiers: Orphanet 167848, MedGen C0878544, MONDO:0004994, HP:0001638. Inheritance: Various modes of inheritance.
Arrhythmogenic cardiomyopathy with wooly hair and keratoderma. Also called: PALMOPLANTAR KERATODERMA WITH LEFT VENTRICULAR CARDIOMYOPATHY AND WOOLLY HAIR; Carvajal syndrome; Arrhythmogenic cardiomyopathy with woolly hair and keratoderma; Dilated cardiomyopathy with woolly hair and keratoderma. Identifiers: Orphanet 65282, MedGen C1854063, MONDO:0011581, OMIM 605676.
Arrhythmogenic right ventricular dysplasia 8 (ARVD8). Also called: ARRHYTHMOGENIC RIGHT VENTRICULAR DYSPLASIA, FAMILIAL, 8; ARRHYTHMOGENIC RIGHT VENTRICULAR CARDIOMYOPATHY 8; Arrhythmogenic Right Ventricular Dysplasia/Cardiomyopathy 8. Identifiers: MedGen C1843896, MONDO:0011831, OMIM 607450.

Allele frequency attached by ClinVar (database versions not stated): gnomAD 0.00003; gnomAD exomes 0.00003; ExAC 0.00002; TOPMed 0.00002.
gnomAD v4.1: 45 of 1,614,070 alleles (0.0028%); highest among the groups gnomAD compares: East Asian, 0.011%; no homozygotes.

Submissions (8):

Labcorp Genetics (formerly Invitae), Labcorp
Classification: Likely benign for Arrhythmogenic cardiomyopathy with wooly hair and keratoderma; Arrhythmogenic right ventricular dysplasia 8. Last evaluated: 2026-01-14. Review status: criteria provided, single submitter. Criteria: Invitae Variant Classification Sherloc (09022015). Collection method: clinical testing. Allele origin: germline.

PreventionGenetics, part of Exact Sciences
Classification: Likely benign for DSP-related condition. Last evaluated: 2025-12-09. Review status: criteria provided, single submitter. Criteria: ACMG Guidelines, 2015. Collection method: clinical testing. Allele origin: germline.
Comment: This variant is classified as likely benign based on ACMG/AMP sequence variant interpretation guidelines (Richards et al. 2015 PMID: 25741868, with internal and published modifications).

Molecular Diagnostic Laboratory for Inherited Cardiovascular Disease, Montreal Heart Institute
Classification: Likely benign. Last evaluated: 2025-02-17. Review status: criteria provided, single submitter. Criteria: ACMG Guidelines, 2015. Collection method: clinical testing. Allele origin: germline. Affected: no.

All of Us Research Program, National Institutes of Health
Classification: Likely benign for Arrhythmogenic cardiomyopathy with wooly hair and keratoderma. Last evaluated: 2024-02-05. Review status: criteria provided, single submitter. Criteria: ACMG Guidelines, 2015. Collection method: clinical testing. Allele origin: germline. Inheritance: Autosomal dominant inheritance. Observed: 11 variant alleles, 11 heterozygotes.
Comment: This study involves interpretation of variants in research participants for the purpose of population health screening. Participant phenotype was not available at the time of variant classification. Additional details can be found in publication PMID: 35346344, PMCID: PMC8962531

Blueprint Genetics
Classification: Likely benign. Last evaluated: 2022-07-07. Review status: criteria provided, single submitter. Criteria: ACMG Guidelines, 2015. Collection method: clinical testing. Allele origin: germline.

Ambry Genetics
Classification: Likely benign for Cardiovascular phenotype. Last evaluated: 2021-07-23. Review status: criteria provided, single submitter. Criteria: Ambry Variant Classification Scheme 2023. Collection method: clinical testing. Allele origin: germline.

Color Diagnostics, LLC DBA Color Health
Classification: Likely benign for Cardiomyopathy. Last evaluated: 2018-11-08. Review status: criteria provided, single submitter. Criteria: ACMG Guidelines, 2015. Collection method: clinical testing. Allele origin: germline.

GeneDx
Classification: Benign. Last evaluated: 2015-03-03. Review status: criteria provided, single submitter. Criteria: GeneDx Variant Classification Process June 2021. Collection method: clinical testing. Allele origin: germline. Affected: yes.